The following is an entry in ClinVar:

ClinVar aggregate classification (germline): Uncertain significance. Review status: criteria provided, multiple submitters, no conflicts (2 of 4 stars). 3 submissions from 3 submitters: Uncertain significance (3). Last evaluated 2024-03-18.

Conditions:
Inborn genetic diseases. Identifiers: MedGen C0950123, MeSH D030342.
COG5-congenital disorder of glycosylation. Also called: CDG IIi; CONGENITAL DISORDER OF GLYCOSYLATION, TYPE IIi; COG5-CDG. Identifiers: Orphanet 263487, MedGen C3150876, MONDO:0013325, OMIM 613612.

Allele frequency attached by ClinVar (database versions not stated): ExAC 0.00002; gnomAD 0.00003 and 0.00004; gnomAD exomes 0.00003 and 0.00008; TOPMed 0.00005.
gnomAD v4.1: 121 of 1,604,404 alleles (0.0075%); highest among the groups gnomAD compares: Non-Finnish European, 0.0098%; no homozygotes.

Submissions (3):

Ambry Genetics
Classification: Uncertain significance for Inborn genetic diseases. Last evaluated: 2024-03-18. Review status: criteria provided, single submitter. Criteria: Ambry Variant Classification Scheme 2023. Collection method: clinical testing. Allele origin: germline.

Labcorp Genetics (formerly Invitae), Labcorp
Classification: Uncertain significance for COG5-congenital disorder of glycosylation. Last evaluated: 2022-04-06. Review status: criteria provided, single submitter. Criteria: Invitae Variant Classification Sherloc (09022015). Collection method: clinical testing. Allele origin: germline.
Comment: This sequence change replaces methionine, which is neutral and non-polar, with valine, which is neutral and non-polar, at codon 729 of the COG5 protein (p.Met729Val). This variant is present in population databases (rs749445329, gnomAD 0.006%). This variant has not been reported in the literature in individuals affected with COG5-related conditions. ClinVar contains an entry for this variant (Variation ID: 194961). Algorithms developed to predict the effect of missense changes on protein structure and function (SIFT, PolyPhen-2, Align-GVGD) all suggest that this variant is likely to be tolerated. Algorithms developed to predict the effect of sequence changes on RNA splicing suggest that this variant may create or strengthen a splice site. In summary, the available evidence is currently insufficient to determine the role of this variant in disease. Therefore, it has been classified as a Variant of Uncertain Significance.

Eurofins Ntd Llc (ga)
Classification: Uncertain significance. Last evaluated: 2017-10-05. Review status: criteria provided, single submitter. Criteria: EGL Classification Definitions 2015. Collection method: clinical testing. Allele origin: germline. Observed: 1 variant allele, 1 heterozygote.

NM_006348.5(COG5):c.2092A>G (p.Met698Val)

Gene: COG5 (component of oligomeric golgi complex 5; minus strand). Cytogenetic location: 7q22.3.
Variant type: single nucleotide variant.
Coding change: c.2092A>G on transcript NM_006348.5 (MANE Select); coding-DNA position 2092, A replaced by G.
Protein change: p.Met698Val; replaces methionine 698 with valine.
Molecular consequence: missense variant. On other transcripts: intron variant (1).
Genome position (GRCh38, 1-based): chr7:107,230,691, T>C on the plus strand (A>G on the coding strand, the complement: COG5 is on the minus strand). VCF-style: chr7-107230691-T-C. GRCh37 (hg19) VCF-style: chr7-106871136-T-C.
Other names: c.2185A>G (NM_006348.3); c.2092A>G, p.Met698Val (NM_001161520.2, NM_001379513.1); c.1930A>G, p.Met644Val (NM_001379511.1); c.1918A>G, p.Met640Val (NM_001379512.1); c.1522A>G, p.Met508Val (NM_001379515.1); c.1378A>G, p.Met460Val (NM_001379516.1); c.2029A>G, p.Met677Val (NM_181733.4); c.1853+17705A>G (NM_001379514.1); short protein forms M460V, M640V, M644V, M677V, M698V, M508V.
Identifiers: ClinVar variation 194961 (VCV000194961.10), dbSNP rs749445329, ClinGen allele CA241212.